The following is an entry in ClinVar:

NM_006939.4(SOS2):c.2347G>T (p.Ala783Ser)

Gene: SOS2 (SOS Ras/Rho guanine nucleotide exchange factor 2; minus strand). Cytogenetic location: 14q21.3.
Variant type: single nucleotide variant.
Coding change: c.2347G>T on transcript NM_006939.4 (MANE Select); coding-DNA position 2347, G replaced by T.
Protein change: p.Ala783Ser; replaces alanine 783 with serine.
Molecular consequence: missense variant.
Genome position (GRCh38, 1-based): chr14:50,150,045, C>A on the plus strand (G>T on the coding strand, the complement: SOS2 is on the minus strand). VCF-style: chr14-50150045-C-A. GRCh37 (hg19) VCF-style: chr14-50616763-C-A.
Other names: c.2347G>T (NM_006939.3); short protein forms A783S.
Identifiers: ClinVar variation 1001313 (VCV001001313.9), dbSNP rs774498876, ClinGen allele CA7177063.

ClinVar aggregate classification (germline): Uncertain significance. Review status: criteria provided, multiple submitters, no conflicts (2 of 4 stars). 2 submissions from 2 submitters: Uncertain significance (2). Last evaluated 2025-05-11.

Conditions:
Noonan syndrome 9 (NS9). Identifiers: Orphanet 648, MedGen C4225282, MONDO:0014691, OMIM 616559.

Allele frequency attached by ClinVar (database versions not stated): ExAC 0.00001; gnomAD exomes 0.00001 and 0.00004; gnomAD 0.00002; TOPMed 0.00002.
gnomAD v4.1: 58 of 1,613,648 alleles (0.0036%); highest among the groups gnomAD compares: Non-Finnish European, 0.0047%; no homozygotes.

Submissions (2):

Labcorp Genetics (formerly Invitae), Labcorp
Classification: Uncertain significance for Noonan syndrome 9. Last evaluated: 2025-05-11. Review status: criteria provided, single submitter. Criteria: Invitae Variant Classification Sherloc (09022015). Collection method: clinical testing. Allele origin: germline.
Comment: This sequence change replaces alanine, which is neutral and non-polar, with serine, which is neutral and polar, at codon 783 of the SOS2 protein (p.Ala783Ser). This variant is present in population databases (rs774498876, gnomAD 0.002%). This variant has not been reported in the literature in individuals affected with SOS2-related conditions. ClinVar contains an entry for this variant (Variation ID: 1001313). Invitae Evidence Modeling of protein sequence and biophysical properties (such as structural, functional, and spatial information, amino acid conservation, physicochemical variation, residue mobility, and thermodynamic stability) has been performed for this missense variant. However, the output from this modeling did not meet the statistical confidence thresholds required to predict the impact of this variant on SOS2 protein function. In summary, the available evidence is currently insufficient to determine the role of this variant in disease. Therefore, it has been classified as a Variant of Uncertain Significance.

Women's Health and Genetics/Laboratory Corporation of America, LabCorp
Classification: Uncertain significance. Last evaluated: 2023-05-01. Review status: criteria provided, single submitter. Criteria: LabCorp Variant Classification Summary - May 2015. Collection method: clinical testing. Allele origin: germline.